The following is an entry in ClinVar:

NM_001386298.1(CIC):c.7515C>A (p.Pro2505=)

Gene: CIC (capicua transcriptional repressor; plus strand). Cytogenetic location: 19q13.2.
Variant type: single nucleotide variant.
Coding change: c.7515C>A on transcript NM_001386298.1 (MANE Select); coding-DNA position 7515, C replaced by A.
Protein change: p.Pro2505=; no amino-acid change (proline 2505 retained).
Molecular consequence: synonymous variant.
Genome position (GRCh38, 1-based): chr19:42,295,152, C>A. VCF-style: chr19-42295152-C-A. GRCh37 (hg19) VCF-style: chr19-42799304-C-A.
Other names: c.7515C>A, p.Pro2505= (NM_001304815.2); c.7512C>A, p.Pro2504= (NM_001379480.1, NM_001379482.1); c.4782C>A, p.Pro1594= (NM_001379484.1); c.4779C>A, p.Pro1593= (NM_001379485.1); c.4788C>A, p.Pro1596= (NM_015125.5).
Identifiers: ClinVar variation 720799 (VCV000720799.10), dbSNP rs552110895, ClinGen allele CA9473019.
Genomic context (GRCh38, chr19:42,295,152, plus strand): 5'-TCCACCCCCAGAGTCGGGGCCTGGACAGCCTGGCTGGGAGGGGGCTCCCCAGCCCTCCCC[C>A]CCACCCCCAGGTCCCTCCACAGCTGCCACAGGCAGGTGAGGGACCCCTGAGAAGATGCCA-3'
Protein context (NP_001373227.1, residues 2495-2515): PGWEGAPQPS[Pro2505=]PPPGPSTAAT

ClinVar aggregate classification (germline): Benign/Likely benign. Review status: criteria provided, multiple submitters, no conflicts (2 of 4 stars). 3 submissions from 3 submitters: Benign (1); Likely benign (1). 1 of the submissions does not count toward it. Last evaluated 2026-02-01.

Conditions:
CIC-related disorder. Also called: CIC-related condition.

Allele frequency attached by ClinVar (database versions not stated): TOPMed 0.00245; 1000 Genomes Project 0.00260.

Submissions (3):

CeGaT Center for Human Genetics Tuebingen
Classification: Likely benign. Last evaluated: 2026-02-01. Review status: criteria provided, single submitter. Criteria: CeGaT Center For Human Genetics Tuebingen Variant Classification Criteria Version 2. Collection method: clinical testing. Allele origin: germline. Affected: yes. Observed: 2 variant alleles.
Comment: CIC: BP4, BP7

Labcorp Genetics (formerly Invitae), Labcorp
Classification: Benign. Last evaluated: 2019-12-31. Review status: criteria provided, single submitter. Criteria: Invitae Variant Classification Sherloc (09022015). Collection method: clinical testing. Allele origin: germline.

PreventionGenetics, part of Exact Sciences
Classification: Benign for CIC-related condition. Last evaluated: 2019-09-06. Review status: no assertion criteria provided. Collection method: clinical testing. Allele origin: germline. Not counted in ClinVar's aggregate classification.
Comment: This variant is classified as benign based on ACMG/AMP sequence variant interpretation guidelines (Richards et al. 2015 PMID: 25741868, with internal and published modifications).